The following is an entry in ClinVar:

ClinVar aggregate classification (germline): Pathogenic (1 of 4 stars; one submission).

Conditions:
Early-infantile DEE. Also called: Early infantile epileptic encephalopathy; Ohtahara syndrome; Early infantile epileptic encephalopathy with suppression bursts. Identifiers: Orphanet 1934, MedGen C0393706, MONDO:0800491.

Submission:

Labcorp Genetics (formerly Invitae), Labcorp
Classification: Pathogenic for Early-infantile DEE. Last evaluated: 2019-07-09. Review status: criteria provided, single submitter. Criteria: Invitae Variant Classification Sherloc (09022015). Collection method: clinical testing. Allele origin: germline.
Comment: This variant is not present in population databases (ExAC no frequency). This sequence change creates a premature translational stop signal (p.Glu517*) in the SCN1A gene. It is expected to result in an absent or disrupted protein product. This variant has not been reported in the literature in individuals with SCN1A-related conditions. For these reasons, this variant has been classified as Pathogenic. Loss-of-function variants in SCN1A are known to be pathogenic (PMID: 17347258, 18930999).

Literature cited by the submitters: PubMed 17347258; PubMed 18930999.

NM_001165963.4(SCN1A):c.1549G>T (p.Glu517Ter)

Gene: SCN1A (sodium voltage-gated channel alpha subunit 1; minus strand). Cytogenetic location: 2q24.3.
Variant type: single nucleotide variant.
Coding change: c.1549G>T on transcript NM_001165963.4 (MANE Select); coding-DNA position 1549, G replaced by T.
Protein change: p.Glu517Ter; replaces glutamic acid 517 with a stop codon.
Molecular consequence: nonsense. On other transcripts: 5 prime UTR variant (1), non-coding transcript variant (1).
Genome position (GRCh38, 1-based): chr2:166,045,156, C>A on the plus strand (G>T on the coding strand, the complement: SCN1A is on the minus strand). VCF-style: chr2-166045156-C-A. GRCh37 (hg19) VCF-style: chr2-166901666-C-A.
Other names: c.1549G>T, p.Glu517Ter (NM_001165964.3, NM_001202435.3, NM_001353948.2 and 7 more transcripts); c.1546G>T, p.Glu516Ter (NM_001353954.2, NM_001353955.2, NM_001353960.2); c.-877G>T (NM_001353961.2); short protein forms E517*, E516*.
Identifiers: ClinVar variation 952870 (VCV000952870.8), dbSNP rs1392398456, ClinGen allele CA349069392.